The following is an entry in ClinVar:

NM_003383.5(VLDLR):c.2378C>A (p.Pro793Gln)

Gene: VLDLR (very low density lipoprotein receptor; plus strand). Cytogenetic location: 9p24.2.
Variant type: single nucleotide variant.
Coding change: c.2378C>A on transcript NM_003383.5 (MANE Select); coding-DNA position 2378, C replaced by A.
Protein change: p.Pro793Gln; replaces proline 793 with glutamine.
Molecular consequence: missense variant.
Genome position (GRCh38, 1-based): chr9:2,651,916, C>A. VCF-style: chr9-2651916-C-A. GRCh37 (hg19) VCF-style: chr9-2651916-C-A.
Other names: c.2294C>A, p.Pro765Gln (NM_001018056.3); c.2255C>A, p.Pro752Gln (NM_001322225.2); c.2171C>A, p.Pro724Gln (NM_001322226.2); short protein forms P724Q, P793Q, P752Q, P765Q.
Identifiers: ClinVar variation 1406170 (VCV001406170.3), dbSNP rs758903406, ClinGen allele CA4965177.
Genomic context (GRCh38, chr9:2,651,916, plus strand): 5'-CCTTTTATTCCTCTGTAGGGATCAATGTGACCACAGCAGTATCAGAGGTCAGTGTTCCCC[C>A]AAAAGGGACTTCTGCCGCATGGGCCATTCTTCCTCTCTGTAAGTAGATTTCCTACAAGTC-3'
Protein context (NP_003374.3, residues 783-803): TTAVSEVSVP[Pro793Gln]KGTSAAWAIL

ClinVar aggregate classification (germline): Uncertain significance (1 of 4 stars; one submission).

gnomAD v4.1: 14 of 1,614,096 alleles (0.00087%); highest among the groups gnomAD compares: East Asian, 0.011%; no homozygotes.

Submission:

Labcorp Genetics (formerly Invitae), Labcorp
Classification: Uncertain significance. Last evaluated: 2021-10-14. Review status: criteria provided, single submitter. Criteria: Invitae Variant Classification Sherloc (09022015). Collection method: clinical testing. Allele origin: germline.
Comment: This sequence change replaces proline with glutamine at codon 793 of the VLDLR protein (p.Pro793Gln). The proline residue is weakly conserved and there is a moderate physicochemical difference between proline and glutamine. This variant is present in population databases (rs758903406, ExAC 0.003%). This variant has not been reported in the literature in individuals affected with VLDLR-related conditions. Algorithms developed to predict the effect of missense changes on protein structure and function are either unavailable or do not agree on the potential impact of this missense change (SIFT: "Not Available"; PolyPhen-2: "Benign"; Align-GVGD: "Not Available"). In summary, the available evidence is currently insufficient to determine the role of this variant in disease. Therefore, it has been classified as a Variant of Uncertain Significance.